The following is an entry in ClinVar:

ClinVar aggregate classification (germline): Uncertain significance (1 of 4 stars; one submission).

Allele frequency attached by ClinVar (database versions not stated): gnomAD 0.00004; ExAC 0.00007; TOPMed 0.00007; ESP Exome Variant Server 0.00008; gnomAD exomes 0.00008; 1000 Genomes Project 30x 0.00016; 1000 Genomes Project 0.00020.
gnomAD v4.1: 121 of 1,613,360 alleles (0.0075%); highest among the groups gnomAD compares: Middle Eastern, 0.017%; no homozygotes.

Submission:

Labcorp Genetics (formerly Invitae), Labcorp
Classification: Uncertain significance. Last evaluated: 2023-06-28. Review status: criteria provided, single submitter. Criteria: Invitae Variant Classification Sherloc (09022015). Collection method: clinical testing. Allele origin: germline.
Comment: In summary, the available evidence is currently insufficient to determine the role of this variant in disease. Therefore, it has been classified as a Variant of Uncertain Significance. Experimental studies have shown that this missense change affects ANGPTL3 function (PMID: 28385496). An algorithm developed to predict the effect of missense changes on protein structure and function (PolyPhen-2) suggests that this variant is likely to be disruptive. ClinVar contains an entry for this variant (Variation ID: 2197337). This missense change has been observed in individual(s) with coronary artery disease (PMID: 28385496). This variant is present in population databases (rs368728000, gnomAD 0.01%). This sequence change replaces threonine, which is neutral and polar, with serine, which is neutral and polar, at codon 383 of the ANGPTL3 protein (p.Thr383Ser).

Literature cited by the submitters: PubMed 28385496.

NM_014495.4(ANGPTL3):c.1147A>T (p.Thr383Ser)

Genes: ANGPTL3 (angiopoietin like 3; plus strand), DOCK7 (dedicator of cytokinesis 7; minus strand). Cytogenetic location: 1p31.3.
Variant type: single nucleotide variant.
Coding change: c.1147A>T on transcript NM_014495.4 (MANE Select); coding-DNA position 1147, A replaced by T.
Protein change: p.Thr383Ser; replaces threonine 383 with serine.
Molecular consequence: missense variant. On other transcripts: intron variant (7).
Genome position (GRCh38, 1-based): chr1:62,604,184, A>T. VCF-style: chr1-62604184-A-T. GRCh37 (hg19) VCF-style: chr1-63069855-A-T.
Other names: c.1682+14522T>A (NM_001272001.2, NM_001272000.2, NM_033407.4 and 4 more transcripts); short protein forms T383S.
Identifiers: ClinVar variation 2197337 (VCV002197337.4), dbSNP rs368728000, ClinGen allele CA886806.